The following is an entry in ClinVar:

ClinVar aggregate classification (germline): Pathogenic. Review status: reviewed by expert panel (3 of 4 stars). 2 submissions from 2 submitters: Pathogenic (1). 1 of the submissions does not count toward it. Last evaluated 2024-04-23.

Conditions:
X-linked severe combined immunodeficiency (SCIDX1). Also called: IMMUNODEFICIENCY 4; SCID, X-LINKED; SEVERE COMBINED IMMUNODEFICIENCY, X-LINKED, T CELL-NEGATIVE, B CELL-POSITIVE, NK CELL-NEGATIVE; T-B+ severe combined immunodeficiency due to gamma chain deficiency; X-Linked Combined Immunodeficiency Diseases. Identifiers: Orphanet 276, MedGen C6022468, MONDO:0010315, OMIM 300400. Disease mechanism: loss of function.

Submissions (2):

ClinGen Severe Combined Immunodeficiency Variant Curation Expert Panel, ClinGen
Classification: Pathogenic for X-linked severe combined immunodeficiency. Last evaluated: 2024-04-23. Review status: reviewed by expert panel. Criteria: ClinGen SCID ACMG Specifications IL2RG V1.0.0. Collection method: curation. Allele origin: germline. Inheritance: X-linked inheritance.
Comment: The c.328G>T (p.Glu110Ter) NM_000206.3 variant in IL2RG is a nonsense variant predicted to cause a premature stop codon in biologically relevant exon 3/8, leading to nonsense-mediated decay in a gene in which loss-of-function is an established disease mechanism (PVS1 Met). The variant is absent in gnomAD v4 (PM2_supporting). Total is 2 pts, PP4_Moderate. (PMID: 10794430). In summary, this variant meets the criteria to be classified as a Pathogenic variant for X-linked T-B+ severe combined immunodeficiency due to gamma chain deficiency based on the ACMG/AMP criteria applied, as specified by the ClinGen SCID VCEP: PVS1, PM2_Supporting, and PP4_Moderate (VCEP specifications version 1).

Labcorp Genetics (formerly Invitae), Labcorp
Classification: Pathogenic for X-linked severe combined immunodeficiency. Last evaluated: 2022-07-15. Review status: criteria provided, single submitter. Criteria: Invitae Variant Classification Sherloc (09022015). Collection method: clinical testing. Allele origin: germline. Not counted in ClinVar's aggregate classification.
Comment: ClinVar contains an entry for this variant (Variation ID: 1371376). Algorithms developed to predict the effect of sequence changes on RNA splicing suggest that this variant may disrupt the consensus splice site. For these reasons, this variant has been classified as Pathogenic. This premature translational stop signal has been observed in individual(s) with severe combined immunodeficiency (PMID: 10794430). This variant is also known as 342G>T. This sequence change creates a premature translational stop signal (p.Glu110*) in the IL2RG gene. It is expected to result in an absent or disrupted protein product. Loss-of-function variants in IL2RG are known to be pathogenic (PMID: 9058718, 10794430). This variant is not present in population databases (gnomAD no frequency).

Literature cited by the submitters: PubMed 10794430 (cited by Labcorp Genetics (formerly Invitae), Labcorp); PubMed 9058718 (cited by Labcorp Genetics (formerly Invitae), Labcorp).

NM_000206.3(IL2RG):c.328G>T (p.Glu110Ter)

Gene: IL2RG (interleukin 2 receptor subunit gamma; minus strand). Cytogenetic location: Xq13.1.
Variant type: single nucleotide variant.
Coding change: c.328G>T on transcript NM_000206.3 (MANE Select); coding-DNA position 328, G replaced by T.
Protein change: p.Glu110Ter; replaces glutamic acid 110 with a stop codon.
Molecular consequence: nonsense.
Genome position (GRCh38, 1-based): chrX:71,110,630, C>A on the plus strand (G>T on the coding strand, the complement: IL2RG is on the minus strand). VCF-style: chrX-71110630-C-A. GRCh37 (hg19) VCF-style: chrX-70330480-C-A.
Other names: NM_000206.3(IL2RG):c.328G>T; p.Glu110Ter; short protein forms E110*.
Identifiers: ClinVar variation 1371376 (VCV001371376.8), dbSNP rs2147750382, ClinGen allele CA413496806.
Genomic context (GRCh38, chrX:71,110,630, plus strand): 5'-CAACAAATGTTTGGTAGAGGTGGATCTCCTTTTTTTGCAACTGACAGCCAGAAGTGATTT[C>A]TTCAGAGAATAGATAGTGGCTGCACTTCTGGACTTTATCATTATCCGAGTTCTTGTACCT-3'